The following is an entry in ClinVar:

NM_002578.5(PAK3):c.699G>T (p.Leu233Phe)

Gene: PAK3 (p21 (RAC1) activated kinase 3; plus strand). Cytogenetic location: Xq23.
Variant type: single nucleotide variant.
Coding change: c.699G>T on transcript NM_002578.5 (MANE Select); coding-DNA position 699, G replaced by T.
Protein change: p.Leu233Phe; replaces leucine 233 with phenylalanine.
Molecular consequence: missense variant. On other transcripts: non-coding transcript variant (2).
Genome position (GRCh38, 1-based): chrX:111,163,660, G>T. VCF-style: chrX-111163660-G-T. GRCh37 (hg19) VCF-style: chrX-110406888-G-T.
Other names: c.699G>T, p.Leu233Phe (NM_001128166.3, NM_001128167.3, NM_001324325.2 and 5 more transcripts); c.807G>T, p.Leu269Phe (NM_001128168.3); c.762G>T, p.Leu254Phe (NM_001128172.2); c.744G>T, p.Leu248Phe (NM_001128173.3, NM_001324327.2, NM_001324328.2 and 2 more transcripts); short protein forms L233F, L248F, L254F, L269F.
Identifiers: ClinVar variation 4854167 (VCV004854167.1).

ClinVar aggregate classification (germline): Uncertain significance (1 of 4 stars; one submission).

Conditions:
Intellectual developmental disorder, X-linked 30. Also called: MENTAL RETARDATION, X-LINKED 47; Intellectual disability, X-linked 30. Identifiers: Orphanet 777, MedGen C0796237, MONDO:0010361, OMIM 300558.

Submission:

3billion
Classification: Uncertain significance for Intellectual developmental disorder, X-linked 30. Last evaluated: 2025-07-01. Review status: criteria provided, single submitter. Criteria: ACMG Guidelines, 2015. Collection method: clinical testing. Allele origin: germline. Affected: yes.
Comment: The variant is not observed in the gnomAD v4.1.0 dataset. Predicted Consequence/Location: Missense variant In silico tools predict the variant to alter splicing and produce an abnormal transcript [SpliceAI: 0.34 (>=0.2, moderate evidence for spliceogenicity)]. Therefore, this variant is classified as VUS according to the recommendation of ACMG/AMP guideline.